The following is an entry in ClinVar:

NM_004990.4(MARS1):c.2531C>T (p.Ala844Val)

Gene: MARS1 (methionyl-tRNA synthetase 1; plus strand). Cytogenetic location: 12q13.3.
Variant type: single nucleotide variant.
Coding change: c.2531C>T on transcript NM_004990.4 (MANE Select); coding-DNA position 2531, C replaced by T.
Protein change: p.Ala844Val; replaces alanine 844 with valine.
Molecular consequence: missense variant.
Genome position (GRCh38, 1-based): chr12:57,516,312, C>T. VCF-style: chr12-57516312-C-T. GRCh37 (hg19) VCF-style: chr12-57910095-C-T.
Other names: short protein forms A844V.
Identifiers: ClinVar variation 575870 (VCV000575870.12), dbSNP rs773914259, ClinGen allele CA6650877.
Genomic context (GRCh38, chr12:57,516,312, plus strand): 5'-CGTCCCCGAAGCCAGCAGTTGTAGAGACTGTTACAACAGCCAAGCCACAGCAGATACAAG[C>T]GCTGATGGATGAAGTGACAAAACAAGTATGAAGCTTAAGCCCTGTGGGAGACTGGACAAG-3'
Protein context (NP_004981.2, residues 834-854): VTTAKPQQIQ[Ala844Val]LMDEVTKQGN

ClinVar aggregate classification (germline): Conflicting classifications of pathogenicity. Review status: criteria provided, conflicting classifications (1 of 4 stars). 2 submissions from 2 submitters: Uncertain significance (1); Likely benign (1). Last evaluated 2025-02-12.

Conditions:
Charcot-Marie-Tooth disease axonal type 2U. Also called: CHARCOT-MARIE-TOOTH NEUROPATHY, TYPE 2U; CHARCOT-MARIE-TOOTH DISEASE, AXONAL, AUTOSOMAL DOMINANT, TYPE 2U. Identifiers: Orphanet 397735, MedGen C4084821, MONDO:0014566, OMIM 616280.
Severe early-onset pulmonary alveolar proteinosis due to MARS deficiency. Also called: PULMONARY ALVEOLAR PROTEINOSIS, REUNION ISLAND; Interstitial lung and liver disease. Identifiers: Orphanet 440427, MedGen C4225400, MONDO:0014206, OMIM 615486.

Allele frequency attached by ClinVar (database versions not stated): ExAC 0.00002; TOPMed 0.00001; gnomAD 0.00002; gnomAD exomes 0.00002.
gnomAD v4.1: 35 of 1,614,038 alleles (0.0022%); highest among the groups gnomAD compares: Non-Finnish European, 0.0029%; no homozygotes.

Submissions (2):

Ambry Genetics
Classification: Likely benign. Last evaluated: 2025-02-12. Review status: criteria provided, single submitter. Criteria: Ambry Variant Classification Scheme 2023. Collection method: clinical testing. Allele origin: germline.

Labcorp Genetics (formerly Invitae), Labcorp
Classification: Uncertain significance for Charcot-Marie-Tooth disease axonal type 2U; Severe early-onset pulmonary alveolar proteinosis due to MARS deficiency. Last evaluated: 2025-02-12. Review status: criteria provided, single submitter. Criteria: Invitae Variant Classification Sherloc (09022015). Collection method: clinical testing. Allele origin: germline.
Comment: This sequence change replaces alanine, which is neutral and non-polar, with valine, which is neutral and non-polar, at codon 844 of the MARS protein (p.Ala844Val). This variant is present in population databases (rs773914259, gnomAD 0.004%). This variant has not been reported in the literature in individuals affected with MARS-related conditions. ClinVar contains an entry for this variant (Variation ID: 575870). An algorithm developed to predict the effect of missense changes on protein structure and function outputs the following: PolyPhen-2: "Benign". The valine amino acid residue is found in multiple mammalian species, which suggests that this missense change does not adversely affect protein function. In summary, the available evidence is currently insufficient to determine the role of this variant in disease. Therefore, it has been classified as a Variant of Uncertain Significance.